The following is an entry in ClinVar:

ClinVar aggregate classification (germline): Pathogenic (1 of 4 stars; one submission).

Conditions:
Hypercholesterolemia, familial, 4 (FHCL4). Also called: HYPERCHOLESTEROLEMIA, AUTOSOMAL RECESSIVE, 1; HYPERCHOLESTEROLEMIA, AUTOSOMAL RECESSIVE, 2. Identifiers: Orphanet 391665, MedGen C1863512, MONDO:0011374, OMIM 603813.

gnomAD v4.1: 2 of 1,613,936 alleles (0.00012%); highest among the groups gnomAD compares: African/African-American, 0.0027%; no homozygotes.

Submission:

Labcorp Genetics (formerly Invitae), Labcorp
Classification: Pathogenic for Hypercholesterolemia, familial, 4. Last evaluated: 2025-09-27. Review status: criteria provided, single submitter. Criteria: Invitae Variant Classification Sherloc (09022015). Collection method: clinical testing. Allele origin: germline.
Comment: This sequence change creates a premature translational stop signal (p.Gln187*) in the LDLRAP1 gene. It is expected to result in an absent or disrupted protein product. Loss-of-function variants in LDLRAP1 are known to be pathogenic (PMID: 11326085, 12464675). This variant is present in population databases (rs755296846, gnomAD 0.005%). This variant has not been reported in the literature in individuals affected with LDLRAP1-related conditions. Algorithms developed to predict the effect of sequence changes on RNA splicing suggest that this variant may disrupt the consensus splice site. For these reasons, this variant has been classified as Pathogenic.

Literature cited by the submitters: PubMed 11326085; PubMed 12464675.

NM_015627.3(LDLRAP1):c.559C>T (p.Gln187Ter)

Gene: LDLRAP1 (low density lipoprotein receptor adaptor protein 1; plus strand). Cytogenetic location: 1p36.11.
Variant type: single nucleotide variant.
Coding change: c.559C>T on transcript NM_015627.3 (MANE Select); coding-DNA position 559, C replaced by T.
Protein change: p.Gln187Ter; replaces glutamine 187 with a stop codon.
Molecular consequence: nonsense.
Genome position (GRCh38, 1-based): chr1:25,563,096, C>T. VCF-style: chr1-25563096-C-T. GRCh37 (hg19) VCF-style: chr1-25889587-C-T.
Other names: short protein forms Q187*.
Identifiers: ClinVar variation 4766926 (VCV004766926.1).